The following is an entry in ClinVar:

NM_000202.8(IDS):c.412C>T (p.His138Tyr)

Gene: IDS (iduronate 2-sulfatase; minus strand). Cytogenetic location: Xq28.
Variant type: single nucleotide variant.
Coding change: c.412C>T on transcript NM_000202.8 (MANE Select); coding-DNA position 412, C replaced by T.
Protein change: p.His138Tyr; replaces histidine 138 with tyrosine.
Molecular consequence: missense variant. On other transcripts: non-coding transcript variant (1).
Genome position (GRCh38, 1-based): chrX:149,503,318, G>A on the plus strand (C>T on the coding strand, the complement: IDS is on the minus strand). VCF-style: chrX-149503318-G-A. GRCh37 (hg19) VCF-style: chrX-148584848-G-A.
Other names: c.142C>T, p.His48Tyr (NM_001166550.4); c.412C>T, p.His138Tyr (NM_006123.5); short protein forms H138Y, H48Y.
Identifiers: ClinVar variation 3255707 (VCV003255707.4).

ClinVar aggregate classification (germline): Pathogenic/Likely pathogenic. Review status: criteria provided, multiple submitters, no conflicts (2 of 4 stars). 2 submissions from 2 submitters: Pathogenic (1); Likely pathogenic (1). Last evaluated 2025-10-21.

Conditions:
Mucopolysaccharidosis, MPS-II (MPS2). Also called: Hunter Syndrome; IDURONATE 2-SULFATASE DEFICIENCY; Mucopolysaccharidosis Type II; Mucopolysaccharidosis type 2; Attenuated MPS (subtype; formerly known as mild MPS II); Severe MPS II. Identifiers: Orphanet 580, Orphanet 79388, MedGen C0026705, MONDO:0010674, OMIM 309900.

Submissions (2):

Labcorp Genetics (formerly Invitae), Labcorp
Classification: Pathogenic for Mucopolysaccharidosis, MPS-II. Last evaluated: 2025-10-21. Review status: criteria provided, single submitter. Criteria: Invitae Variant Classification Sherloc (09022015). Collection method: clinical testing. Allele origin: germline.
Comment: This sequence change replaces histidine, which is basic and polar, with tyrosine, which is neutral and polar, at codon 138 of the IDS protein (p.His138Tyr). This variant is not present in population databases (gnomAD no frequency). This missense change has been observed in individual(s) with mucopolysaccharidosis type II (PMID: 24125893; internal data). In at least one individual the variant was observed to be de novo. ClinVar contains an entry for this variant (Variation ID: 3255707). Invitae Evidence Modeling of protein sequence and biophysical properties (such as structural, functional, and spatial information, amino acid conservation, physicochemical variation, residue mobility, and thermodynamic stability) indicates that this missense variant is not expected to disrupt IDS protein function with a negative predictive value of 80%. This variant disrupts the p.His138 amino acid residue in IDS. Other variant(s) that disrupt this residue have been observed in individuals with IDS-related conditions (PMID: 9660053, 15614569), which suggests that this may be a clinically significant amino acid residue. For these reasons, this variant has been classified as Pathogenic.

Laboratory of Diagnosis and Therapy of Lysosomal Disorders, University of Padova
Classification: Likely pathogenic for Mucopolysaccharidosis, MPS-II. Last evaluated: 2024-06-07. Review status: criteria provided, single submitter. Criteria: ACMG Guidelines, 2015. Collection method: literature only. Allele origin: germline. Affected: yes. Observed: 2 variant alleles.
Comment: Located in a mutational hot spot and/or critical functional domain (PM1_Moderate), Absent from controls (or at low frequency) in gnomAD database (PM2_Moderate), Missense change at the same amino acid residue as a pathogenic variant (PM5_Moderate), Missense variant in a gene with a low rate of benign missense variation (PP2_Supporting), Multiple lines of computational evidence support a deleterious effect (PP3_Supporting), Patient’s phenotype or family history highly specific for the disease (PP4_Moderate)

Classification method: ACMG Guidelines [PMID:25741868] with modifications

Literature cited by the submitters: PubMed 24125893 (cited by Labcorp Genetics (formerly Invitae), Labcorp and Laboratory of Diagnosis and Therapy of Lysosomal Disorders, University of Padova); PubMed 9660053 (cited by Labcorp Genetics (formerly Invitae), Labcorp); PubMed 15614569 (cited by Labcorp Genetics (formerly Invitae), Labcorp); PubMed 33960103 (cited by Laboratory of Diagnosis and Therapy of Lysosomal Disorders, University of Padova).